The following is an entry in ClinVar:

ClinVar aggregate classification (germline): Likely benign (1 of 4 stars; one submission).

Allele frequency attached by ClinVar (database versions not stated): gnomAD exomes 0.00006; gnomAD 0.00025; ESP Exome Variant Server 0.00028; 1000 Genomes Project 0.00053; 1000 Genomes Project 30x 0.00062.
gnomAD v4.1: 97 of 1,141,900 alleles (0.0085%); highest among the groups gnomAD compares: African/African-American, 0.083%; no homozygotes.

Submission:

CeGaT Center for Human Genetics Tuebingen
Classification: Likely benign. Last evaluated: 2022-04-01. Review status: criteria provided, single submitter. Criteria: CeGaT Center For Human Genetics Tuebingen Variant Classification Criteria Version 2. Collection method: clinical testing. Allele origin: germline. Affected: yes. Observed: 1 variant allele.
Comment: GDPD2: BP4, BP7

NM_017711.4(GDPD2):c.1307+1031C>T

Genes: GDPD2 (glycerophosphodiester phosphodiesterase domain containing 2; plus strand), LOC105373244 (uncharacterized LOC105373244; minus strand). Cytogenetic location: Xq13.1.
Variant type: single nucleotide variant.
Coding change: c.1307+1031C>T on transcript NM_017711.4 (MANE Select); 1031 bases into the intron after coding-DNA position 1307, C replaced by T.
Molecular consequence: intron variant. On other transcripts: synonymous variant (1).
Genome position (GRCh38, 1-based): chrX:70,431,094, C>T. VCF-style: chrX-70431094-C-T. GRCh37 (hg19) VCF-style: chrX-69650944-C-T.
Other names: c.1428C>T, p.Pro476= (NM_001171192.2); c.1070+1031C>T (NM_001171193.2, NM_001171191.2).
Identifiers: ClinVar variation 2660820 (VCV002660820.24), dbSNP rs368338665, ClinGen allele CA330981846.